The following is an entry in ClinVar:

ClinVar aggregate classification (germline): Uncertain significance (1 of 4 stars; one submission).

Conditions:
Intellectual developmental disorder with hypertelorism and distinctive facies. Identifiers: MedGen C4748381, MONDO:0029143, OMIM 618147.

Submission:

Laboratorio de Genetica e Diagnostico Molecular, Hospital Israelita Albert Einstein
Classification: Uncertain significance for Intellectual developmental disorder with hypertelorism and distinctive facies. Last evaluated: 2025-04-30. Review status: criteria provided, single submitter. Criteria: ACMG Guidelines, 2015. Collection method: clinical testing. Allele origin: germline. Affected: yes.
Comment: ACMG classification criteria: PM2 supporting

NM_001099402.2(CCNK):c.823C>T (p.Gln275Ter)

Genes: CCDC85C (coiled-coil domain containing 85C; minus strand), CCNK (cyclin K; plus strand). Cytogenetic location: 14q32.2.
Variant type: single nucleotide variant.
Coding change: c.823C>T on transcript NM_001099402.2 (MANE Select); coding-DNA position 823, C replaced by T.
Protein change: p.Gln275Ter; replaces glutamine 275 with a stop codon.
Molecular consequence: nonsense. On other transcripts: 3 prime UTR variant (1).
Genome position (GRCh38, 1-based): chr14:99,502,796, C>T. VCF-style: chr14-99502796-C-T. GRCh37 (hg19) VCF-style: chr14-99969133-C-T.
Other names: c.*12450G>A (NM_001144995.2); short protein forms Q275*.
Identifiers: ClinVar variation 3902047 (VCV003902047.1).